The following is an entry in ClinVar:

NM_024675.4(PALB2):c.2402A>G (p.Asp801Gly)

Gene: PALB2 (partner and localizer of BRCA2; minus strand). Cytogenetic location: 16p12.2.
Variant type: single nucleotide variant.
Coding change: c.2402A>G on transcript NM_024675.4 (MANE Select); coding-DNA position 2402, A replaced by G.
Protein change: p.Asp801Gly; replaces aspartic acid 801 with glycine.
Molecular consequence: missense variant.
Genome position (GRCh38, 1-based): chr16:23,629,752, T>C on the plus strand (A>G on the coding strand, the complement: PALB2 is on the minus strand). VCF-style: chr16-23629752-T-C. GRCh37 (hg19) VCF-style: chr16-23641073-T-C.
Other names: short protein forms D801G.
Identifiers: ClinVar variation 482008 (VCV000482008.18), dbSNP rs1555460348, ClinGen allele CA395124448.

ClinVar aggregate classification (germline): Conflicting classifications of pathogenicity. Review status: criteria provided, conflicting classifications (1 of 4 stars). 3 submissions from 3 submitters: Uncertain significance (2); Likely benign (1). Last evaluated 2025-05-04.

Conditions:
Familial cancer of breast. Also called: BREAST CANCER, FAMILIAL; Hereditary breast cancer; hereditary breast carcinoma. Identifiers: Orphanet 227535, MedGen C0346153, MONDO:0016419, OMIM 114480. Disease mechanism: loss of function.
Hereditary cancer-predisposing syndrome. Also called: Neoplastic Syndromes, Hereditary; Tumor predisposition; Hereditary Cancer Syndrome; Hereditary neoplastic syndrome. Identifiers: Orphanet 140162, MedGen C0027672, MeSH D009386, MONDO:0015356.

Submissions (3):

Ambry Genetics
Classification: Likely benign for Hereditary cancer-predisposing syndrome. Last evaluated: 2025-05-04. Review status: criteria provided, single submitter. Criteria: Ambry Variant Classification Scheme 2023. Collection method: clinical testing. Allele origin: germline.

Color Diagnostics, LLC DBA Color Health
Classification: Uncertain significance for Hereditary cancer-predisposing syndrome. Last evaluated: 2023-12-05. Review status: criteria provided, single submitter. Criteria: ACMG Guidelines, 2015. Collection method: clinical testing. Allele origin: germline.
Comment: This missense variant replaces aspartic acid with glycine at codon 801 of the PALB2 protein. Computational prediction suggests that this variant may not impact protein structure and function (internally defined REVEL score threshold <= 0.5, PMID: 27666373). To our knowledge, functional studies have not been reported for this variant. This variant has not been reported in individuals affected with PALB2-related disorders in the literature. This variant has not been identified in the general population by the Genome Aggregation Database (gnomAD). The available evidence is insufficient to determine the role of this variant in disease conclusively. Therefore, this variant is classified as a Variant of Uncertain Significance.

Labcorp Genetics (formerly Invitae), Labcorp
Classification: Uncertain significance for Familial cancer of breast. Last evaluated: 2023-09-20. Review status: criteria provided, single submitter. Criteria: Invitae Variant Classification Sherloc (09022015). Collection method: clinical testing. Allele origin: germline.
Comment: In summary, the available evidence is currently insufficient to determine the role of this variant in disease. Therefore, it has been classified as a Variant of Uncertain Significance. Advanced modeling of protein sequence and biophysical properties (such as structural, functional, and spatial information, amino acid conservation, physicochemical variation, residue mobility, and thermodynamic stability) performed at Invitae indicates that this missense variant is not expected to disrupt PALB2 protein function. ClinVar contains an entry for this variant (Variation ID: 482008). This variant has not been reported in the literature in individuals affected with PALB2-related conditions. This variant is not present in population databases (gnomAD no frequency). This sequence change replaces aspartic acid, which is acidic and polar, with glycine, which is neutral and non-polar, at codon 801 of the PALB2 protein (p.Asp801Gly).